The following is an entry in ClinVar:

NM_017780.4(CHD7):c.7043G>C (p.Gly2348Ala)

Gene: CHD7 (chromodomain helicase DNA binding protein 7; plus strand). Cytogenetic location: 8q12.2.
Variant type: single nucleotide variant.
Coding change: c.7043G>C on transcript NM_017780.4 (MANE Select); coding-DNA position 7043, G replaced by C.
Protein change: p.Gly2348Ala; replaces glycine 2348 with alanine.
Molecular consequence: missense variant. On other transcripts: intron variant (1).
Genome position (GRCh38, 1-based): chr8:60,856,081, G>C. VCF-style: chr8-60856081-G-C. GRCh37 (hg19) VCF-style: chr8-61768640-G-C.
Other names: c.1717-6148G>C (NM_001316690.1); short protein forms G2348A.
Identifiers: ClinVar variation 3632511 (VCV003632511.2).

ClinVar aggregate classification (germline): Uncertain significance (1 of 4 stars; one submission).

Conditions:
CHARGE syndrome (CHARGE). Also called: Hittner Hirsch Kreh syndrome; CHARGE ASSOCIATION--COLOBOMA, HEART ANOMALY, CHOANAL ATRESIA, RETARDATION, GENITAL AND EAR ANOMALIES; Coloboma, heart anomaly, choanal atresia, retardation, genital and ear anomalies; CHARGE association; Hall-Hittner syndrome. Identifiers: Orphanet 138, MedGen C0265354, MONDO:0008965.

Submission:

Labcorp Genetics (formerly Invitae), Labcorp
Classification: Uncertain significance for CHARGE syndrome. Last evaluated: 2024-06-13. Review status: criteria provided, single submitter. Criteria: Invitae Variant Classification Sherloc (09022015). Collection method: clinical testing. Allele origin: germline.
Comment: This sequence change replaces glycine, which is neutral and non-polar, with alanine, which is neutral and non-polar, at codon 2348 of the CHD7 protein (p.Gly2348Ala). This variant is not present in population databases (gnomAD no frequency). This variant has not been reported in the literature in individuals affected with CHD7-related conditions. Advanced modeling of protein sequence and biophysical properties (such as structural, functional, and spatial information, amino acid conservation, physicochemical variation, residue mobility, and thermodynamic stability) performed at Invitae indicates that this missense variant is not expected to disrupt CHD7 protein function with a negative predictive value of 95%. In summary, the available evidence is currently insufficient to determine the role of this variant in disease. Therefore, it has been classified as a Variant of Uncertain Significance.